The following is an entry in ClinVar:

ClinVar aggregate classification (germline): Uncertain significance. Review status: criteria provided, multiple submitters, no conflicts (2 of 4 stars). 2 submissions from 2 submitters: Uncertain significance (2). Last evaluated 2026-01-18.

Conditions:
Legius syndrome. Identifiers: Orphanet 137605, MedGen C1969623, MONDO:0012669, OMIM 611431. Disease mechanism: loss of function.
Cardiovascular phenotype. Identifiers: MedGen CN230736.

Submissions (2):

Ambry Genetics
Classification: Uncertain significance for Cardiovascular phenotype. Last evaluated: 2026-01-18. Review status: criteria provided, single submitter. Criteria: Ambry Variant Classification Scheme 2023. Collection method: clinical testing. Allele origin: germline.
Comment: The p.P356Q variant (also known as c.1067C>A), located in coding exon 7 of the SPRED1 gene, results from a C to A substitution at nucleotide position 1067. The proline at codon 356 is replaced by glutamine, an amino acid with similar properties. This amino acid position is conserved. In addition, this alteration is predicted to be deleterious by in silico analysis. Based on the available evidence, the clinical significance of this variant remains unclear.

Labcorp Genetics (formerly Invitae), Labcorp
Classification: Uncertain significance for Legius syndrome. Last evaluated: 2022-03-11. Review status: criteria provided, single submitter. Criteria: Invitae Variant Classification Sherloc (09022015). Collection method: clinical testing. Allele origin: germline.
Comment: In summary, the available evidence is currently insufficient to determine the role of this variant in disease. Therefore, it has been classified as a Variant of Uncertain Significance. Algorithms developed to predict the effect of missense changes on protein structure and function (SIFT, PolyPhen-2, Align-GVGD) all suggest that this variant is likely to be disruptive. This variant has not been reported in the literature in individuals affected with SPRED1-related conditions. This variant is not present in population databases (gnomAD no frequency). This sequence change replaces proline, which is neutral and non-polar, with glutamine, which is neutral and polar, at codon 356 of the SPRED1 protein (p.Pro356Gln).

NM_152594.3(SPRED1):c.1067C>A (p.Pro356Gln)

Gene: SPRED1 (sprouty related EVH1 domain containing 1; plus strand). Cytogenetic location: 15q14.
Variant type: single nucleotide variant.
Coding change: c.1067C>A on transcript NM_152594.3 (MANE Select); coding-DNA position 1067, C replaced by A.
Protein change: p.Pro356Gln; replaces proline 356 with glutamine.
Molecular consequence: missense variant.
Genome position (GRCh38, 1-based): chr15:38,351,396, C>A. VCF-style: chr15-38351396-C-A. GRCh37 (hg19) VCF-style: chr15-38643597-C-A.
Other names: c.1067C>A (NM_152594.2); short protein forms P356Q.
Identifiers: ClinVar variation 2159075 (VCV002159075.5), dbSNP rs2542743784, ClinGen allele CA391933994.
Genomic context (GRCh38, chr15:38,351,396, plus strand): 5'-TATACTGCCAGGAAAGGTTTAATCATGAAGAAAATGTTAGGGGAAAATGTCAGGATGCTC[C>A]AGACCCTATTAAAAGATGCATATATCAAGTTAGTTGCATGCTCTGTGCAGAGAGCATGTT-3'
Protein context (NP_689807.1, residues 346-366): ENVRGKCQDA[Pro356Gln]DPIKRCIYQV